The following is an entry in ClinVar:

ClinVar aggregate classification (germline): Likely benign. Review status: criteria provided, single submitter (1 of 4 stars). 2 submissions from 2 submitters: Likely benign (1). 1 of the submissions does not count toward it. Last evaluated 2024-07-15.

Conditions:
GRHL3-related disorder. Also called: GRHL3-related condition.

Allele frequency attached by ClinVar (database versions not stated): gnomAD exomes 0.00004; ExAC 0.00005; gnomAD 0.00006; TOPMed 0.00007; ESP Exome Variant Server 0.00015.
gnomAD v4.1: 72 of 1,610,512 alleles (0.0045%); highest among the groups gnomAD compares: Middle Eastern, 0.017%; no homozygotes.

Submissions (2):

Blueprint Genetics
Classification: Likely benign. Last evaluated: 2024-07-15. Review status: criteria provided, single submitter. Criteria: ACMG Guidelines, 2015. Collection method: clinical testing. Allele origin: germline.

PreventionGenetics, part of Exact Sciences
Classification: Likely benign for GRHL3-related condition. Last evaluated: 2020-05-19. Review status: no assertion criteria provided. Collection method: clinical testing. Allele origin: germline. Not counted in ClinVar's aggregate classification.
Comment: This variant is classified as likely benign based on ACMG/AMP sequence variant interpretation guidelines (Richards et al. 2015 PMID: 25741868, with internal and published modifications).

NM_198173.3(GRHL3):c.960C>T (p.Cys320=)

Gene: GRHL3 (grainyhead like transcription factor 3; plus strand). Cytogenetic location: 1p36.11.
Variant type: single nucleotide variant.
Coding change: c.960C>T on transcript NM_198173.3 (MANE Select); coding-DNA position 960, C replaced by T.
Protein change: p.Cys320=; no amino-acid change (cysteine 320 retained).
Molecular consequence: synonymous variant.
Genome position (GRCh38, 1-based): chr1:24,339,675, C>T. VCF-style: chr1-24339675-C-T. GRCh37 (hg19) VCF-style: chr1-24666165-C-T.
Other names: c.822C>T, p.Cys274= (NM_001195010.2); c.975C>T, p.Cys325= (NM_021180.4); c.960C>T, p.Cys320= (NM_198174.3).
Identifiers: ClinVar variation 3051927 (VCV003051927.3), dbSNP rs145941763, ClinGen allele CA690060.